The following is an entry in ClinVar:

ClinVar aggregate classification (germline): Uncertain significance (1 of 4 stars; one submission).

Conditions:
Inborn genetic diseases. Identifiers: MedGen C0950123, MeSH D030342.

Submission:

Ambry Genetics
Classification: Uncertain significance for Inborn genetic diseases. Last evaluated: 2023-07-28. Review status: criteria provided, single submitter. Criteria: Ambry Variant Classification Scheme 2023. Collection method: clinical testing. Allele origin: germline.
Comment: The p.N2227S variant (also known as c.6680A>G), located in coding exon 39 of the ATR gene, results from an A to G substitution at nucleotide position 6680. The asparagine at codon 2227 is replaced by serine, an amino acid with highly similar properties. This amino acid position is conserved. In addition, this alteration is predicted to be tolerated by in silico analysis. Since supporting evidence is limited at this time, the clinical significance of this alteration remains unclear.

NM_001184.4(ATR):c.6680A>G (p.Asn2227Ser)

Gene: ATR (ATR checkpoint kinase; minus strand). Cytogenetic location: 3q23.
Variant type: single nucleotide variant.
Coding change: c.6680A>G on transcript NM_001184.4 (MANE Select); coding-DNA position 6680, A replaced by G.
Protein change: p.Asn2227Ser; replaces asparagine 2227 with serine.
Molecular consequence: missense variant.
Genome position (GRCh38, 1-based): chr3:142,467,941, T>C on the plus strand (A>G on the coding strand, the complement: ATR is on the minus strand). VCF-style: chr3-142467941-T-C. GRCh37 (hg19) VCF-style: chr3-142186783-T-C.
Other names: c.6488A>G, p.Asn2163Ser (NM_001354579.2); short protein forms N2227S, N2163S.
Identifiers: ClinVar variation 2624947 (VCV002624947.2), dbSNP rs2473064556, ClinGen allele CA354803247.
Genomic context (GRCh38, chr3:142,467,941, plus strand): 5'-TATATACATAATTACCCAACATCAGTTTATAAGCACTAAGATTATGATAGTACCGGTTTA[T>C]TGCACAATTCTAGAAGCTTATCTGTTAGGCGAGTTGCATCTCCAACAAACTTCTCTAAGG-3'
Protein context (NP_001175.2, residues 2217-2237): RLTDKLLELC[Asn2227Ser]KPVDGSSSTL